The following is an entry in ClinVar:

ClinVar aggregate classification (germline): Uncertain significance. Review status: criteria provided, multiple submitters, no conflicts (2 of 4 stars). 2 submissions from 2 submitters: Uncertain significance (2). Last evaluated 2024-11-13.

Conditions:
Inborn genetic diseases. Identifiers: MedGen C0950123, MeSH D030342.
Immunodeficiency, common variable, 7. Identifiers: Orphanet 1572, Orphanet 696894, MedGen C3542922, MONDO:0013862, OMIM 614699.

Allele frequency attached by ClinVar (database versions not stated): gnomAD exomes 0.00002 and 0.00001; gnomAD 0.00001; ExAC 0.00002.
gnomAD v4.1: 17 of 1,613,956 alleles (0.0011%); highest among the groups gnomAD compares: South Asian, 0.016%; no homozygotes.

Submissions (2):

Ambry Genetics
Classification: Uncertain significance for Inborn genetic diseases. Last evaluated: 2024-11-13. Review status: criteria provided, single submitter. Criteria: Ambry Variant Classification Scheme 2023. Collection method: clinical testing. Allele origin: germline.

Labcorp Genetics (formerly Invitae), Labcorp
Classification: Uncertain significance for Immunodeficiency, common variable, 7. Last evaluated: 2022-01-27. Review status: criteria provided, single submitter. Criteria: Invitae Variant Classification Sherloc (09022015). Collection method: clinical testing. Allele origin: germline.
Comment: This sequence change replaces arginine, which is basic and polar, with lysine, which is basic and polar, at codon 987 of the CR2 protein (p.Arg987Lys). This variant is present in population databases (rs774951053, gnomAD 0.01%). This variant has not been reported in the literature in individuals affected with CR2-related conditions. ClinVar contains an entry for this variant (Variation ID: 1042642). Algorithms developed to predict the effect of missense changes on protein structure and function output the following: SIFT: "Tolerated"; PolyPhen-2: "Benign"; Align-GVGD: "Class C0". The lysine amino acid residue is found in multiple mammalian species, which suggests that this missense change does not adversely affect protein function. In summary, the available evidence is currently insufficient to determine the role of this variant in disease. Therefore, it has been classified as a Variant of Uncertain Significance.

NM_001006658.3(CR2):c.2960G>A (p.Arg987Lys)

Gene: CR2 (complement C3d receptor 2; plus strand). Cytogenetic location: 1q32.2.
Variant type: single nucleotide variant.
Coding change: c.2960G>A on transcript NM_001006658.3 (MANE Select); coding-DNA position 2960, G replaced by A.
Protein change: p.Arg987Lys; replaces arginine 987 with lysine.
Molecular consequence: missense variant.
Genome position (GRCh38, 1-based): chr1:207,477,942, G>A. VCF-style: chr1-207477942-G-A. GRCh37 (hg19) VCF-style: chr1-207651287-G-A.
Other names: c.2960G>A (NM_001006658.2); c.2783G>A, p.Arg928Lys (NM_001877.5); short protein forms R928K, R987K.
Identifiers: ClinVar variation 1042642 (VCV001042642.9), dbSNP rs774951053, ClinGen allele CA1369096.